The following is an entry in ClinVar:

NM_001142800.2(EYS):c.9339dup (p.Asp3114fs)

Genes: EYS (EGF-like photoreceptor maintenance factor; minus strand), PHF3 (PHD finger protein 3; plus strand). Cytogenetic location: 6q12.
Variant type: Duplication.
Coding change: c.9339dup on transcript NM_001142800.2 (MANE Select); coding-DNA position 9339, one base duplicated (A; older notation c.9339dupA).
Protein change: p.Asp3114fs; shifts the reading frame from aspartic acid 3114.
Molecular consequence: frameshift variant. On other transcripts: 3 prime UTR variant (5).
Genome position (GRCh38, 1-based): chr6:63,720,692, T duplicated on the plus strand (A on the coding strand, the reverse complement: EYS is on the minus strand); the first of 3 consecutive T bases (chr6:63,720,692-63,720,694); duplicating any one gives the same sequence. VCF-style (leftmost placement, unchanged base first): chr6-63720691-C-CT. GRCh37 (hg19) VCF-style: chr6-64430587-C-CT.
Other names: c.*6986dup (NM_001290259.2, NM_001370348.2, NM_001370349.2 and 2 more transcripts); c.9402dup, p.Asp3135fs (NM_001292009.2); short protein forms D3114fs, D3135fs.
Identifiers: ClinVar variation 1424403 (VCV001424403.6), dbSNP rs2149623546, ClinGen allele CA2573141289.

ClinVar aggregate classification (germline): Pathogenic (1 of 4 stars; one submission).

Submission:

Labcorp Genetics (formerly Invitae), Labcorp
Classification: Pathogenic. Last evaluated: 2022-09-07. Review status: criteria provided, single submitter. Criteria: Invitae Variant Classification Sherloc (09022015). Collection method: clinical testing. Allele origin: germline.
Comment: For these reasons, this variant has been classified as Pathogenic. This variant disrupts a region of the EYS protein in which other variant(s) (p.Tyr3135*) have been determined to be pathogenic (PMID: 18976725, 29159838, 30337596, 31074760). This suggests that this is a clinically significant region of the protein, and that variants that disrupt it are likely to be disease-causing. ClinVar contains an entry for this variant (Variation ID: 1424403). This variant has not been reported in the literature in individuals affected with EYS-related conditions. This variant is not present in population databases (gnomAD no frequency). This sequence change creates a premature translational stop signal (p.Asp3114Argfs*12) in the EYS gene. While this is not anticipated to result in nonsense mediated decay, it is expected to disrupt the last 31 amino acid(s) of the EYS protein.

Literature cited by the submitters: PubMed 18976725; PubMed 29159838; PubMed 30337596; PubMed 31074760.